The following is an entry in ClinVar:

ClinVar aggregate classification (germline): Uncertain significance. Review status: criteria provided, multiple submitters, no conflicts (2 of 4 stars). 2 submissions from 2 submitters: Uncertain significance (2). Last evaluated 2024-06-12.

Conditions:
Inborn genetic diseases. Identifiers: MedGen C0950123, MeSH D030342.
Episodic kinesigenic dyskinesia (EKD). Also called: Paroxysmal kinesigenic dyskinesia. Identifiers: Orphanet 98809, MedGen C1868682, MONDO:0044202.

Allele frequency attached by ClinVar (database versions not stated): TOPMed below 0.00001; gnomAD 0.00001.
gnomAD v4.1: 3 of 1,606,378 alleles (0.00019%); highest among the groups gnomAD compares: Non-Finnish European, 0.00026%; no homozygotes.

Submissions (2):

Labcorp Genetics (formerly Invitae), Labcorp
Classification: Uncertain significance for Episodic kinesigenic dyskinesia. Last evaluated: 2024-06-12. Review status: criteria provided, single submitter. Criteria: Invitae Variant Classification Sherloc (09022015). Collection method: clinical testing. Allele origin: germline.
Comment: This sequence change replaces serine, which is neutral and polar, with asparagine, which is neutral and polar, at codon 244 of the PRRT2 protein (p.Ser244Asn). This variant is present in population databases (no rsID available, gnomAD 0.0009%). This variant has not been reported in the literature in individuals affected with PRRT2-related conditions. ClinVar contains an entry for this variant (Variation ID: 1469634). Advanced modeling of protein sequence and biophysical properties (such as structural, functional, and spatial information, amino acid conservation, physicochemical variation, residue mobility, and thermodynamic stability) performed at Invitae indicates that this missense variant is not expected to disrupt PRRT2 protein function with a negative predictive value of 95%. In summary, the available evidence is currently insufficient to determine the role of this variant in disease. Therefore, it has been classified as a Variant of Uncertain Significance.

Ambry Genetics
Classification: Uncertain significance for Inborn genetic diseases. Last evaluated: 2023-11-17. Review status: criteria provided, single submitter. Criteria: Ambry Variant Classification Scheme 2023. Collection method: clinical testing. Allele origin: germline.

NM_145239.3(PRRT2):c.731G>A (p.Ser244Asn)

Genes: MVP-DT (MVP divergent transcript; minus strand), PRRT2 (proline rich transmembrane protein 2; plus strand). Cytogenetic location: 16p11.2.
Variant type: single nucleotide variant.
Coding change: c.731G>A on transcript NM_145239.3 (MANE Select); coding-DNA position 731, G replaced by A.
Protein change: p.Ser244Asn; replaces serine 244 with asparagine.
Molecular consequence: missense variant.
Genome position (GRCh38, 1-based): chr16:29,813,785, G>A. VCF-style: chr16-29813785-G-A. GRCh37 (hg19) VCF-style: chr16-29825106-G-A.
Other names: c.731G>A (NM_145239.2); c.731G>A, p.Ser244Asn (NM_001256442.2, NM_001256443.2); short protein forms S244N.
Identifiers: ClinVar variation 1469634 (VCV001469634.7), dbSNP rs1451315262, ClinGen allele CA395479423.
Genomic context (GRCh38, chr16:29,813,785, plus strand): 5'-AGGAGGATCGAATGAGAAGGGCACACAGTGGGCATCCAGGATCTCCCCGAGGTAGCCTGA[G>A]CCGCCACCCCAGCTCCCAGTTGGCAGGTCCTGGGGTGGAGGGGGGTGAAGGCACCCAGAA-3'
Protein context (NP_660282.2, residues 234-254): GHPGSPRGSL[Ser244Asn]RHPSSQLAGP